The following is an entry in ClinVar:

NM_017636.4(TRPM4):c.475C>T (p.His159Tyr)

Gene: TRPM4 (transient receptor potential cation channel subfamily M member 4; plus strand). Cytogenetic location: 19q13.33.
Variant type: single nucleotide variant.
Coding change: c.475C>T on transcript NM_017636.4 (MANE Select); coding-DNA position 475, C replaced by T.
Protein change: p.His159Tyr; replaces histidine 159 with tyrosine.
Molecular consequence: missense variant. On other transcripts: 5 prime UTR variant (2), intron variant (2).
Genome position (GRCh38, 1-based): chr19:49,168,286, C>T. VCF-style: chr19-49168286-C-T. GRCh37 (hg19) VCF-style: chr19-49671543-C-T.
Other names: c.475C>T, p.His159Tyr (NM_001195227.2); c.475C>T (NM_017636.3); c.-1079C>T (NM_001321282.2); c.-48C>T (NM_001321283.2); c.268-267C>T (NM_001321281.2); c.-237-267C>T (NM_001321285.2); short protein forms H159Y.
Identifiers: ClinVar variation 3671814 (VCV003671814.3).

ClinVar aggregate classification (germline): Uncertain significance. Review status: criteria provided, multiple submitters, no conflicts (2 of 4 stars). 2 submissions from 2 submitters: Uncertain significance (2). Last evaluated 2025-06-27.

Conditions:
Cardiovascular phenotype. Identifiers: MedGen CN230736.
Progressive familial heart block type IB (PFHB1B). Identifiers: Orphanet 871, MedGen C1970298, MONDO:0011474, OMIM 604559.

Submissions (2):

Labcorp Genetics (formerly Invitae), Labcorp
Classification: Uncertain significance for Progressive familial heart block type IB. Last evaluated: 2025-06-27. Review status: criteria provided, single submitter. Criteria: Invitae Variant Classification Sherloc (09022015). Collection method: clinical testing. Allele origin: germline.
Comment: This sequence change replaces histidine, which is basic and polar, with tyrosine, which is neutral and polar, at codon 159 of the TRPM4 protein (p.His159Tyr). This variant is present in population databases (no rsID available, gnomAD 0.003%). This variant has not been reported in the literature in individuals affected with TRPM4-related conditions. ClinVar contains an entry for this variant (Variation ID: 3671814). An algorithm developed to predict the effect of missense changes on protein structure and function (PolyPhen-2) suggests that this variant is likely to be disruptive. In summary, the available evidence is currently insufficient to determine the role of this variant in disease. Therefore, it has been classified as a Variant of Uncertain Significance.

Ambry Genetics
Classification: Uncertain significance for Cardiovascular phenotype. Last evaluated: 2025-06-06. Review status: criteria provided, single submitter. Criteria: Ambry Variant Classification Scheme 2023. Collection method: clinical testing. Allele origin: germline.